The following is an entry in ClinVar:

NM_182961.4(SYNE1):c.23403C>G (p.Ser7801Arg)

Gene: SYNE1 (spectrin repeat containing nuclear envelope protein 1; minus strand). Cytogenetic location: 6q25.2.
Variant type: single nucleotide variant.
Coding change: c.23403C>G on transcript NM_182961.4 (MANE Select); coding-DNA position 23403, C replaced by G.
Protein change: p.Ser7801Arg; replaces serine 7801 with arginine.
Molecular consequence: missense variant.
Genome position (GRCh38, 1-based): chr6:152,180,193, G>C on the plus strand (C>G on the coding strand, the complement: SYNE1 is on the minus strand). VCF-style: chr6-152180193-G-C. GRCh37 (hg19) VCF-style: chr6-152501328-G-C.
Other names: c.9C>G, p.Ser3Arg (NM_001347701.2); c.23190C>G, p.Ser7730Arg (NM_033071.5); short protein forms S7801R, S7730R, S3R.
Identifiers: ClinVar variation 286010 (VCV000286010.6), dbSNP rs886043281, ClinGen allele CA10605331.
Genomic context (GRCh38, chr6:152,180,193, plus strand): 5'-TACCTTCTTGAGCTTCTCTATCATTTCTTCAATGAGAATGTCTCCATTCTGAGAAACTTT[G>C]CTTTCCATTTGAGTCAACCACTCACAGAGTTCCTTGTTCTTTTCACTGAAGACTGCCCAT-3'
Protein context (NP_892006.3, residues 7791-7811): ELCEWLTQME[Ser7801Arg]KVSQNGDILI

ClinVar aggregate classification (germline): Uncertain significance. Review status: criteria provided, multiple submitters, no conflicts (2 of 4 stars). 2 submissions from 2 submitters: Uncertain significance (2). Last evaluated 2025-10-16.

Allele frequency attached by ClinVar (database versions not stated): gnomAD exomes below 0.00001 and 0.00001; gnomAD 0.00002; TOPMed 0.00002.

Submissions (2):

Athena Diagnostics
Classification: Uncertain significance. Last evaluated: 2025-10-16. Review status: criteria provided, single submitter. Criteria: Athena Diagnostics Criteria. Collection method: clinical testing. Allele origin: unknown.
Comment: Available data are insufficient to determine the clinical significance of the variant at this time. The frequency of this variant in the general population is uninformative in assessment of its pathogenicity. Polyphen and MutationTaster yielded discordant predictions regarding whether this amino acid change is damaging to the protein.

Eurofins Ntd Llc (ga)
Classification: Uncertain significance. Last evaluated: 2016-02-04. Review status: criteria provided, single submitter. Criteria: EGL Classification Definitions 2015. Collection method: clinical testing. Allele origin: germline. Observed: 1 variant allele, 1 heterozygote.